The following is an entry in ClinVar:

NM_001042492.3(NF1):c.1102A>T (p.Ser368Cys)

Gene: NF1 (neurofibromin 1; plus strand). Cytogenetic location: 17q11.2.
Variant type: single nucleotide variant.
Coding change: c.1102A>T on transcript NM_001042492.3 (MANE Select); coding-DNA position 1102, A replaced by T.
Protein change: p.Ser368Cys; replaces serine 368 with cysteine.
Molecular consequence: missense variant.
Genome position (GRCh38, 1-based): chr17:31,201,076, A>T. VCF-style: chr17-31201076-A-T. GRCh37 (hg19) VCF-style: chr17-29528094-A-T.
Other names: c.1102A>T, p.Ser368Cys (NM_000267.4, NM_001128147.3); short protein forms S368C.
Identifiers: ClinVar variation 1722226 (VCV001722226.5), dbSNP rs2544796947, ClinGen allele CA398996860.
Genomic context (GRCh38, chr17:31,201,076, plus strand): 5'-TTTCTGTTGGGGTTTTTATAGAACCTGCTTTTTAATCCAAGTAAGCCATTCTCAAGAGGC[A>T]GTCAGCCTGCAGATGTGGATCTAATGATTGACTGCCTTGTTTCTTGCTTTCGTATAAGCC-3'
Protein context (NP_001035957.1, residues 358-378): FNPSKPFSRG[Ser368Cys]QPADVDLMID

ClinVar aggregate classification (germline): Uncertain significance (1 of 4 stars; one submission).

Conditions:
Neurofibromatosis, type 1 (NF1). Also called: Neurofibromatosis, type I; VON RECKLINGHAUSEN DISEASE; NEUROFIBROMATOSIS, TYPE I, SOMATIC; Peripheral type neurofibromatosis. Identifiers: Orphanet 636, MedGen C0027831, MONDO:0018975, OMIM 162200. Disease mechanism: loss of function.

Submission:

Labcorp Genetics (formerly Invitae), Labcorp
Classification: Uncertain significance for Neurofibromatosis, type 1. Last evaluated: 2022-10-27. Review status: criteria provided, single submitter. Criteria: Invitae Variant Classification Sherloc (09022015). Collection method: clinical testing. Allele origin: germline.
Comment: This sequence change replaces serine, which is neutral and polar, with cysteine, which is neutral and slightly polar, at codon 368 of the NF1 protein (p.Ser368Cys). This variant is not present in population databases (gnomAD no frequency). This variant has not been reported in the literature in individuals affected with NF1-related conditions. Advanced modeling of protein sequence and biophysical properties (such as structural, functional, and spatial information, amino acid conservation, physicochemical variation, residue mobility, and thermodynamic stability) has been performed at Invitae for this missense variant, however the output from this modeling did not meet the statistical confidence thresholds required to predict the impact of this variant on NF1 protein function. In summary, the available evidence is currently insufficient to determine the role of this variant in disease. Therefore, it has been classified as a Variant of Uncertain Significance.